The following is an entry in ClinVar:

ClinVar aggregate classification (germline): Uncertain significance (1 of 4 stars; one submission).

Conditions:
T-cell immunodeficiency, congenital alopecia, and nail dystrophy. Also called: Congenital alopecia and nail dystrophy associated with severe functional T-cell immunodeficiency; Pignata Guarino syndrome. Identifiers: Orphanet 169095, MedGen C1866426, MONDO:0011132, OMIM 601705.

Submission:

Labcorp Genetics (formerly Invitae), Labcorp
Classification: Uncertain significance for T-cell immunodeficiency, congenital alopecia, and nail dystrophy. Last evaluated: 2025-10-29. Review status: criteria provided, single submitter. Criteria: Invitae Variant Classification Sherloc (09022015). Collection method: clinical testing. Allele origin: germline.
Comment: This sequence change replaces asparagine, which is neutral and polar, with tyrosine, which is neutral and polar, at codon 322 of the FOXN1 protein (p.Asn322Tyr). This variant is not present in population databases (gnomAD no frequency). This variant has not been reported in the literature in individuals affected with FOXN1-related conditions. Invitae Evidence Modeling of protein sequence and biophysical properties (such as structural, functional, and spatial information, amino acid conservation, physicochemical variation, residue mobility, and thermodynamic stability) has been performed for this missense variant. However, the output from this modeling did not meet the statistical confidence thresholds required to predict the impact of this variant on FOXN1 protein function. In summary, the available evidence is currently insufficient to determine the role of this variant in disease. Therefore, it has been classified as a Variant of Uncertain Significance.

NM_001369369.1(FOXN1):c.964A>T (p.Asn322Tyr)

Gene: FOXN1 (forkhead box N1; plus strand). Cytogenetic location: 17q11.2.
Variant type: single nucleotide variant.
Coding change: c.964A>T on transcript NM_001369369.1 (MANE Select); coding-DNA position 964, A replaced by T.
Protein change: p.Asn322Tyr; replaces asparagine 322 with tyrosine.
Molecular consequence: missense variant.
Genome position (GRCh38, 1-based): chr17:28,534,367, A>T. VCF-style: chr17-28534367-A-T. GRCh37 (hg19) VCF-style: chr17-26861385-A-T.
Other names: c.964A>T, p.Asn322Tyr (NM_003593.3); short protein forms N322Y.
Identifiers: ClinVar variation 4742350 (VCV004742350.1).
Genomic context (GRCh38, chr17:28,534,367, plus strand): 5'-GCTTGTCTTGCTCTGTTCCGGCAGACAGCACCCGATGGCTGGAAGAATTCTGTCCGGCAC[A>T]ACCTATCCCTCAACAAGTGCTTCGAGAAGGTGGAGAACAAATCAGGAAGTTCCTCCCGCA-3'
Protein context (NP_001356298.1, residues 312-332): PDGWKNSVRH[Asn322Tyr]LSLNKCFEKV